The following is an entry in ClinVar:

ClinVar aggregate classification (germline): Uncertain significance (1 of 4 stars; one submission).

Conditions:
Epileptic encephalopathy. Identifiers: MedGen C0543888, HP:0200134.

Allele frequency attached by ClinVar (database versions not stated): gnomAD exomes 0.00001; ExAC 0.00002.
gnomAD v4.1: 8 of 1,612,716 alleles (0.0005%); highest among the groups gnomAD compares: Non-Finnish European, 0.00068%; no homozygotes.

Submission:

Labcorp Genetics (formerly Invitae), Labcorp
Classification: Uncertain significance for Epileptic encephalopathy. Last evaluated: 2022-10-31. Review status: criteria provided, single submitter. Criteria: Invitae Variant Classification Sherloc (09022015). Collection method: clinical testing. Allele origin: germline.
Comment: ClinVar contains an entry for this variant (Variation ID: 1364390). This variant has not been reported in the literature in individuals affected with FASN-related conditions. This variant is present in population databases (rs773781442, gnomAD 0.003%). This sequence change replaces aspartic acid, which is acidic and polar, with asparagine, which is neutral and polar, at codon 2126 of the FASN protein (p.Asp2126Asn). Algorithms developed to predict the effect of missense changes on protein structure and function (SIFT, PolyPhen-2, Align-GVGD) all suggest that this variant is likely to be tolerated. In summary, the available evidence is currently insufficient to determine the role of this variant in disease. Therefore, it has been classified as a Variant of Uncertain Significance.

NM_004104.5(FASN):c.6376G>A (p.Asp2126Asn)

Gene: FASN (fatty acid synthase; minus strand). Cytogenetic location: 17q25.3.
Variant type: single nucleotide variant.
Coding change: c.6376G>A on transcript NM_004104.5 (MANE Select); coding-DNA position 6376, G replaced by A.
Protein change: p.Asp2126Asn; replaces aspartic acid 2126 with asparagine.
Molecular consequence: missense variant.
Genome position (GRCh38, 1-based): chr17:82,081,631, C>T on the plus strand (G>A on the coding strand, the complement: FASN is on the minus strand). VCF-style: chr17-82081631-C-T. GRCh37 (hg19) VCF-style: chr17-80039507-C-T.
Other names: short protein forms D2126N.
Identifiers: ClinVar variation 1364390 (VCV001364390.8), dbSNP rs773781442, ClinGen allele CA8851329.